The following is an entry in ClinVar:

ClinVar aggregate classification (germline): Uncertain significance (1 of 4 stars; one submission).

Conditions:
VPS13B-related disorder. Also called: VPS13B-related condition.

gnomAD v4.1: 1 of 1,611,062 alleles (0.000062%); highest among the groups gnomAD compares: Non-Finnish European, 0.000085%; no homozygotes.

Submission:

PreventionGenetics, part of Exact Sciences
Classification: Uncertain significance for VPS13B-related condition. Last evaluated: 2024-10-26. Review status: criteria provided, single submitter. Criteria: ACMG Guidelines, 2015. Collection method: clinical testing. Allele origin: germline.
Comment: The VPS13B c.5237A>G variant is predicted to result in the amino acid substitution p.Gln1746Arg. To our knowledge, this variant has not been reported in the literature or in a large population database (gnomAD), indicating this variant is rare. At this time, the clinical significance of this variant is uncertain due to the absence of conclusive functional and genetic evidence.

NM_152564.5(VPS13B):c.5237A>G (p.Gln1746Arg)

Gene: VPS13B (vacuolar protein sorting 13 homolog B; plus strand). Cytogenetic location: 8q22.2.
Variant type: single nucleotide variant.
Coding change: c.5237A>G on transcript NM_152564.5 (MANE Select); coding-DNA position 5237, A replaced by G.
Protein change: p.Gln1746Arg; replaces glutamine 1746 with arginine.
Molecular consequence: missense variant.
Genome position (GRCh38, 1-based): chr8:99,641,827, A>G. VCF-style: chr8-99641827-A-G. GRCh37 (hg19) VCF-style: chr8-100654055-A-G.
Other names: c.5312A>G, p.Gln1771Arg (NM_017890.5); short protein forms Q1771R, Q1746R.
Identifiers: ClinVar variation 4978131 (VCV004978131.1).